The following is an entry in ClinVar:

ClinVar aggregate classification (germline): Uncertain significance (1 of 4 stars; one submission).

Submission:

Mayo Clinic Laboratories, Mayo Clinic
Classification: Uncertain significance. Last evaluated: 2023-02-14. Review status: criteria provided, single submitter. Criteria: ACMG Guidelines, 2015. Collection method: clinical testing. Allele origin: germline. Observed: 1 variant allele.
Comment: PP3, PP4, PM2

NM_000374.5(UROD):c.919C>T (p.Pro307Ser)

Gene: UROD (uroporphyrinogen decarboxylase; plus strand). Cytogenetic location: 1p34.1.
Variant type: single nucleotide variant.
Coding change: c.919C>T on transcript NM_000374.5 (MANE Select); coding-DNA position 919, C replaced by T.
Protein change: p.Pro307Ser; replaces proline 307 with serine.
Molecular consequence: missense variant. On other transcripts: non-coding transcript variant (3).
Genome position (GRCh38, 1-based): chr1:45,014,983, C>T. VCF-style: chr1-45014983-C-T. GRCh37 (hg19) VCF-style: chr1-45480655-C-T.
Other names: p.Pro307Ser; short protein forms P307S.
Identifiers: ClinVar variation 2683714 (VCV002683714.1), dbSNP rs1211340920, ClinGen allele CA340119551.
Genomic context (GRCh38, chr1:45,014,983, plus strand): 5'-GCTGGCTTTGCTTCCAGGGAGTGTGTGGGGAAGACGGTGACATTGCAGGGCAACCTGGAC[C>T]CCTGTGCCTTGTATGCATCTGAGGTAACAGCCAGGGCCCCTCTGTGTGTCTGTTACTGTG-3'
Protein context (NP_000365.3, residues 297-317): KTVTLQGNLD[Pro307Ser]CALYASEEEI